The following is an entry in ClinVar:

NM_000807.4(GABRA2):c.1286T>C (p.Phe429Ser)

Gene: GABRA2 (gamma-aminobutyric acid type A receptor subunit alpha2; minus strand). Cytogenetic location: 4p12.
Variant type: single nucleotide variant.
Coding change: c.1286T>C on transcript NM_000807.4 (MANE Select); coding-DNA position 1286, T replaced by C.
Protein change: p.Phe429Ser; replaces phenylalanine 429 with serine.
Molecular consequence: missense variant.
Genome position (GRCh38, 1-based): chr4:46,250,378, A>G on the plus strand (T>C on the coding strand, the complement: GABRA2 is on the minus strand). VCF-style: chr4-46250378-A-G. GRCh37 (hg19) VCF-style: chr4-46252395-A-G.
Other names: c.1286T>C, p.Phe429Ser (NM_001114175.3, NM_001377146.1, NM_001377147.1 and 4 more transcripts); c.1301T>C, p.Phe434Ser (NM_001286827.3); c.1466T>C, p.Phe489Ser (NM_001330690.2, NM_001377144.1, NM_001377145.1); c.1121T>C, p.Phe374Ser (NM_001377152.1, NM_001377153.1, NM_001377154.1); short protein forms F374S, F429S, F434S, F489S.
Identifiers: ClinVar variation 4726221 (VCV004726221.1).

ClinVar aggregate classification (germline): Uncertain significance (1 of 4 stars; one submission).

Submission:

Labcorp Genetics (formerly Invitae), Labcorp
Classification: Uncertain significance. Last evaluated: 2025-08-29. Review status: criteria provided, single submitter. Criteria: Invitae Variant Classification Sherloc (09022015). Collection method: clinical testing. Allele origin: germline.
Comment: This sequence change replaces phenylalanine, which is neutral and non-polar, with serine, which is neutral and polar, at codon 489 of the GABRA2 protein (p.Phe489Ser). This variant is not present in population databases (gnomAD no frequency). This variant has not been reported in the literature in individuals affected with GABRA2-related conditions. Experimental studies and prediction algorithms are not available or were not evaluated, and the functional significance of this variant is currently unknown. In summary, the available evidence is currently insufficient to determine the role of this variant in disease. Therefore, it has been classified as a Variant of Uncertain Significance.